The following is an entry in ClinVar:

ClinVar aggregate classification (germline): Conflicting classifications of pathogenicity. Review status: criteria provided, conflicting classifications (1 of 4 stars). 4 submissions from 4 submitters: Uncertain significance (3); Likely benign (1). Last evaluated 2025-03-25.

Conditions:
Hereditary cancer-predisposing syndrome. Also called: Hereditary neoplastic syndrome; Neoplastic Syndromes, Hereditary; Hereditary Cancer Syndrome; Tumor predisposition. Identifiers: Orphanet 140162, MedGen C0027672, MeSH D009386, MONDO:0015356.
Hereditary breast ovarian cancer syndrome. Also called: Hereditary breast and ovarian cancer; Hereditary breast and/or ovarian cancer syndrome; Hereditary breast and ovarian cancer syndrome; Hereditary breast and ovarian cancer syndrome (HBOC); Breast and ovarian cancer; BRCA1- and BRCA2-Associated Hereditary Breast and Ovarian Cancer. Identifiers: Orphanet 145, MedGen C0677776, MeSH D061325, MONDO:0003582. Disease mechanism: loss of function.

Submissions (4):

Labcorp Genetics (formerly Invitae), Labcorp
Classification: Uncertain significance for Hereditary breast ovarian cancer syndrome. Last evaluated: 2025-03-25. Review status: criteria provided, single submitter. Criteria: Invitae Variant Classification Sherloc (09022015). Collection method: clinical testing. Allele origin: germline.
Comment: This sequence change replaces methionine, which is neutral and non-polar, with valine, which is neutral and non-polar, at codon 2192 of the BRCA2 protein (p.Met2192Val). This variant is not present in population databases (gnomAD no frequency). This variant has not been reported in the literature in individuals affected with BRCA2-related conditions. ClinVar contains an entry for this variant (Variation ID: 965357). Invitae Evidence Modeling of protein sequence and biophysical properties (such as structural, functional, and spatial information, amino acid conservation, physicochemical variation, residue mobility, and thermodynamic stability) indicates that this missense variant is not expected to disrupt BRCA2 protein function with a negative predictive value of 95%. In summary, the available evidence is currently insufficient to determine the role of this variant in disease. Therefore, it has been classified as a Variant of Uncertain Significance.

University of Washington Department of Laboratory Medicine, University of Washington
Classification: Likely benign for Hereditary cancer-predisposing syndrome. Last evaluated: 2023-03-23. Review status: criteria provided, single submitter. Criteria: Dines et al. (Genet Med. 2020). Collection method: curation. Allele origin: germline.
Comment: Missense variant in a coldspot region where missense variants are very unlikely to be pathogenic (PMID:31911673).

BRCA2 exon 11 coldspot. Reclassification based on statistical prior probability.

Ambry Genetics
Classification: Uncertain significance for Hereditary cancer-predisposing syndrome. Last evaluated: 2022-11-21. Review status: criteria provided, single submitter. Criteria: Ambry Variant Classification Scheme 2023. Collection method: clinical testing. Allele origin: germline.
Comment: The p.M2192V variant (also known as c.6574A>G), located in coding exon 10 of the BRCA2 gene, results from an A to G substitution at nucleotide position 6574. The methionine at codon 2192 is replaced by valine, an amino acid with highly similar properties. This amino acid position is not well conserved in available vertebrate species. In addition, this alteration is predicted to be tolerated by in silico analysis. Since supporting evidence is limited at this time, the clinical significance of this alteration remains unclear.

Color Diagnostics, LLC DBA Color Health
Classification: Uncertain significance for Hereditary cancer-predisposing syndrome. Last evaluated: 2021-04-21. Review status: criteria provided, single submitter. Criteria: ACMG Guidelines, 2015. Collection method: clinical testing. Allele origin: germline.
Comment: This missense variant replaces methionine with valine at codon 2192 of the BRCA2 protein. Computational prediction suggests that this variant may not impact protein structure and function (internally defined REVEL score threshold <= 0.5, PMID: 27666373). To our knowledge, functional studies have not been reported for this variant. This variant has not been reported in individuals affected with hereditary cancer in the literature. This variant has not been identified in the general population by the Genome Aggregation Database (gnomAD). The available evidence is insufficient to determine the role of this variant in disease conclusively. Therefore, this variant is classified as a Variant of Uncertain Significance.

NM_000059.4(BRCA2):c.6574A>G (p.Met2192Val)

Gene: BRCA2 (BRCA2 DNA repair associated; plus strand). Cytogenetic location: 13q13.1.
Variant type: single nucleotide variant.
Coding change: c.6574A>G on transcript NM_000059.4 (MANE Select); coding-DNA position 6574, A replaced by G.
Protein change: p.Met2192Val; replaces methionine 2192 with valine.
Molecular consequence: missense variant.
Genome position (GRCh38, 1-based): chr13:32,340,929, A>G. VCF-style: chr13-32340929-A-G. GRCh37 (hg19) VCF-style: chr13-32915066-A-G.
Other names: short protein forms M2192V.
Identifiers: ClinVar variation 965357 (VCV000965357.15), dbSNP rs926784722, ClinGen allele CA247514103.